The following is an entry in ClinVar:

ClinVar aggregate classification (germline): Pathogenic/Likely pathogenic. Review status: criteria provided, multiple submitters, no conflicts (2 of 4 stars). 9 submissions from 9 submitters: Pathogenic (5); Likely pathogenic (2). 2 of the submissions do not count toward it. Last evaluated 2025-02-15.

Conditions:
Pyruvate dehydrogenase E1-alpha deficiency (PDHAD). Also called: ATAXIA, INTERMITTENT, WITH PYRUVATE DEHYDROGENASE DEFICIENCY; ATAXIA WITH LACTIC ACIDOSIS I; ATAXIA, INTERMITTENT, WITH ABNORMAL PYRUVATE METABOLISM; Ataxia, intermittent, with pyruvate dehydrogenase, or decarboxylase, deficiency. Identifiers: Orphanet 79243, MedGen C1839413, MONDO:0010717, OMIM 312170.
Inborn genetic diseases. Identifiers: MedGen C0950123, MeSH D030342.

Allele frequency attached by ClinVar (database versions not stated): ExAC 0.00001.

Submissions (9):

Labcorp Genetics (formerly Invitae), Labcorp
Classification: Pathogenic for Pyruvate dehydrogenase E1-alpha deficiency. Last evaluated: 2025-02-15. Review status: criteria provided, single submitter. Criteria: Invitae Variant Classification Sherloc (09022015). Collection method: clinical testing. Allele origin: germline.
Comment: This sequence change replaces arginine, which is basic and polar, with histidine, which is basic and polar, at codon 378 of the PDHA1 protein (p.Arg378His). This variant is not present in population databases (gnomAD no frequency). This missense change has been observed in individual(s) with pyruvate dehydrogenase E1-alpha deficiency (PMID: 1909401, 16713755). In at least one individual the variant was observed to be de novo. ClinVar contains an entry for this variant (Variation ID: 10873). Invitae Evidence Modeling of protein sequence and biophysical properties (such as structural, functional, and spatial information, amino acid conservation, physicochemical variation, residue mobility, and thermodynamic stability) has been performed for this missense variant. However, the output from this modeling did not meet the statistical confidence thresholds required to predict the impact of this variant on PDHA1 protein function. This variant disrupts the p.Arg378 amino acid residue in PDHA1. Other variant(s) that disrupt this residue have been determined to be pathogenic (PMID: 8962591, 20002125, 20002461, 24718837, 28639102). This suggests that this residue is clinically significant, and that variants that disrupt this residue are likely to be disease-causing. For these reasons, this variant has been classified as Pathogenic.

Victorian Clinical Genetics Services, Murdoch Childrens Research Institute
Classification: Pathogenic for Pyruvate dehydrogenase E1-alpha deficiency. Last evaluated: 2024-09-19. Review status: criteria provided, single submitter. Criteria: ACMG Guidelines, 2015. Collection method: clinical testing. Allele origin: germline. Inheritance: X-linked dominant inheritance. Affected: yes.
Comment: Based on the classification scheme VCGS_Germline_v1.3.4, this variant is classified as Pathogenic. Following criteria are met: 0102 - Loss of function is a known mechanism of disease in this gene and is associated with pyruvate dehydrogenase E1-alpha deficiency. (I) 0110 - This gene is associated with X-linked dominant disease. (I) 0115 - Variants in this gene are known to have variable expressivity. Depending on the residual enzymatic activity resulting from the PDHA1 variant, the severity of phenotypic presentation can vary. Additionally, the severity in females is dependent on X-chromosome inactivation patterns (OMIM, PMID: 22142326). (I) 0200 - Variant is predicted to result in a missense amino acid change from arginine to histidine. (I) 0251 - This variant is heterozygous. (I) 0301 - Variant is absent from gnomAD (both v2 and v3). (SP) 0502 - Missense variant with conflicting in silico predictions and uninformative conservation. (I) 0604 - Variant is not located in an established domain, motif, hotspot or informative constraint region. (I) 0801 - This variant has strong previous evidence of pathogenicity in unrelated individuals. This variant has been classified as pathogenic or likely pathogenic by multiple clinical laboratories in ClinVar. This variant has also been observed in multiple individuals with pyruvate dehydrogenase complex deficiency (PMID: 33092611, 1909401, 23021068). (SP) Legend: (SP) - Supporting pathogenic, (I) - Information, (SB) - Supporting benign

Ambry Genetics
Classification: Pathogenic for Inborn genetic diseases. Last evaluated: 2024-08-13. Review status: criteria provided, single submitter. Criteria: Ambry Variant Classification Scheme 2023. Collection method: clinical testing. Allele origin: germline.
Comment: The c.1133G>A (p.R378H) alteration is located in exon 11 (coding exon 11) of the PDHA1 gene. This alteration results from a G to A substitution at nucleotide position 1133, causing the arginine (R) at amino acid position 378 to be replaced by a histidine (H). This variant was not reported in population-based cohorts in the Genome Aggregation Database (gnomAD). This variant has been reported in multiple individuals with features consistent with Pyruvate dehydrogenase E1-alpha deficiency (DeBrosse, 2012; Wes&oacute;-Kucharska, 2022). Additionally, this variant has been determined to be the result of a de novo mutation in multiple affected individuals, both male and female (Imbard, 2011; Pavlu-Pereira, 2020). This amino acid position is highly conserved in available vertebrate species. This alteration is predicted to be deleterious by in silico analysis. Based on the available evidence, this alteration is classified as pathogenic.

GeneDx
Classification: Pathogenic. Last evaluated: 2024-01-24. Review status: criteria provided, single submitter. Criteria: GeneDx Variant Classification Process June 2021. Collection method: clinical testing. Allele origin: germline. Affected: yes.
Comment: Expression studies found this variant to be associated with very low level of enzyme activity compared to wild-type (PMID: 33588022); In silico analysis supports that this missense variant has a deleterious effect on protein structure/function; Not observed at significant frequency in large population cohorts (gnomAD); This variant is associated with the following publications: (PMID: 1909401, 16713755, 8032855, 25356417, 10679936, 23021068, 33092611, 33726816, 33588022)

Institute of Medical Genetics and Applied Genomics, University Hospital Tübingen
Classification: Likely pathogenic. Last evaluated: 2020-10-23. Review status: criteria provided, single submitter. Criteria: ACMG Guidelines, 2015. Collection method: clinical testing. Allele origin: germline. Inheritance: Unknown mechanism. Affected: yes.

Laboratorio de Genetica e Diagnostico Molecular, Hospital Israelita Albert Einstein
Classification: Likely pathogenic. Last evaluated: 2019-08-12. Review status: criteria provided, single submitter. Criteria: ACMG Guidelines, 2015. Collection method: clinical testing. Allele origin: germline. Affected: yes.
Comment: ACMG classification criteria: PS4, PM2, PP2, PP3

Genomic Research Center, Shahid Beheshti University of Medical Sciences
Classification: Pathogenic for Pyruvate dehydrogenase E1-alpha deficiency. Last evaluated: 2017-12-18. Review status: criteria provided, single submitter. Criteria: ACMG Guidelines, 2015. Collection method: clinical testing. Allele origin: inherited. Affected: yes.

PDHA1 Study Group, University Children’s Hospital, Paracelsus Medical University
Classification: Pathogenic for Pyruvate dehydrogenase E1-alpha deficiency. Last evaluated: 2024-10-15. Review status: no assertion criteria provided. Collection method: research. Allele origin: de novo. Affected: yes. Observed: 35 variant alleles. Not counted in ClinVar's aggregate classification.
Comment: The NM_000284.3:c.1133G>A (p.Arg378His) substitution is a missense variant in the PDHA1 gene. This variant is absent or extremely rare in population-based cohorts in the Genome Aggregation Database (gnomAD). In total, 35 individuals diagnosed with PDHA1-related pyruvate dehydrogenase complex (PDHc) deficiency (MIM #312170) harbor this variant, including 24 males and 10 females. Among these, 17 cases have confirmed de novo occurrence, and 1 is confirmed inherited. The variant is reported in 21 published cases (PMIDs: 7887409, 28918066, 9409363, 8032855, 24718837, 21914562, 16713755, 15473177, 23021068, 10679936, Silva et al., Acta Pediatr Port, 2004), with an additional 14 unpublished cases from internal data. The last literature search is conducted on July 12, 2024. Individuals present with clinical features consistent with PDHA1-related PDHc deficiency. Based on the ACMG/AMP criteria applied (PM1, PM2, PM5, PM7, PP3), this variant is classified as likely pathogenic (LP) (last assessment October 15, 2024).

OMIM
Classification: Pathogenic for PYRUVATE DEHYDROGENASE E1-ALPHA DEFICIENCY. Last evaluated: 1991-01-01. Review status: no assertion criteria provided. Collection method: literature only. Allele origin: germline. Not counted in ClinVar's aggregate classification.

Literature cited by the submitters: PubMed 1909401 (cited by 3 submitters); PubMed 16713755 (cited by Labcorp Genetics (formerly Invitae), Labcorp and PDHA1 Study Group, University Children’s Hospital, Paracelsus Medical University); PubMed 8962591 (cited by Labcorp Genetics (formerly Invitae), Labcorp); PubMed 20002125 (cited by Labcorp Genetics (formerly Invitae), Labcorp); PubMed 20002461 (cited by Labcorp Genetics (formerly Invitae), Labcorp); PubMed 24718837 (cited by Labcorp Genetics (formerly Invitae), Labcorp and PDHA1 Study Group, University Children’s Hospital, Paracelsus Medical University); PubMed 28639102 (cited by Labcorp Genetics (formerly Invitae), Labcorp); PubMed 22142326 (cited by Victorian Clinical Genetics Services, Murdoch Childrens Research Institute); PubMed 23021068 (cited by 3 submitters); PubMed 33092611 (cited by Victorian Clinical Genetics Services, Murdoch Childrens Research Institute and Ambry Genetics); PubMed 21914562 (cited by Ambry Genetics and PDHA1 Study Group, University Children’s Hospital, Paracelsus Medical University); PubMed 35620925 (cited by Ambry Genetics); PubMed 7887409 (cited by PDHA1 Study Group, University Children’s Hospital, Paracelsus Medical University); PubMed 28918066 (cited by PDHA1 Study Group, University Children’s Hospital, Paracelsus Medical University); PubMed 9409363 (cited by PDHA1 Study Group, University Children’s Hospital, Paracelsus Medical University); PubMed 8032855 (cited by PDHA1 Study Group, University Children’s Hospital, Paracelsus Medical University); PubMed 15473177 (cited by PDHA1 Study Group, University Children’s Hospital, Paracelsus Medical University); PubMed 10679936 (cited by PDHA1 Study Group, University Children’s Hospital, Paracelsus Medical University); DOI 10.1093/brain/awaf430 (cited by PDHA1 Study Group, University Children’s Hospital, Paracelsus Medical University); PubMed 7692352 (cited by OMIM).

NM_000284.4(PDHA1):c.1133G>A (p.Arg378His)

Gene: PDHA1 (pyruvate dehydrogenase E1 subunit alpha 1; plus strand). Cytogenetic location: Xp22.12.
Variant type: single nucleotide variant.
Coding change: c.1133G>A on transcript NM_000284.4 (MANE Select); coding-DNA position 1133, G replaced by A.
Protein change: p.Arg378His; replaces arginine 378 with histidine.
Molecular consequence: missense variant.
Genome position (GRCh38, 1-based): chrX:19,359,613, G>A. VCF-style: chrX-19359613-G-A. GRCh37 (hg19) VCF-style: chrX-19377731-G-A.
Other names: c.1247G>A, p.Arg416His (NM_001173454.2); c.1154G>A, p.Arg385His (NM_001173455.2); c.1040G>A, p.Arg347His (NM_001173456.2); c.1133G>A (NM_000284.3); short protein forms R378H, R416H, R347H, R385H.
Identifiers: ClinVar variation 10873 (VCV000010873.16), dbSNP rs137853250, ClinGen allele CA121205.